The following is an entry in ClinVar:

NM_004064.5(CDKN1B):c.478T>A (p.Ser160Thr)

Gene: CDKN1B (cyclin dependent kinase inhibitor 1B; plus strand). Cytogenetic location: 12p13.1.
Variant type: single nucleotide variant.
Coding change: c.478T>A on transcript NM_004064.5 (MANE Select); coding-DNA position 478, T replaced by A.
Protein change: p.Ser160Thr; replaces serine 160 with threonine.
Molecular consequence: missense variant.
Genome position (GRCh38, 1-based): chr12:12,718,827, T>A. VCF-style: chr12-12718827-T-A. GRCh37 (hg19) VCF-style: chr12-12871761-T-A.
Other names: short protein forms S160T.
Identifiers: ClinVar variation 2309785 (VCV002309785.5), dbSNP rs1474337731, ClinGen allele CA383972502.

ClinVar aggregate classification (germline): Uncertain significance. Review status: criteria provided, multiple submitters, no conflicts (2 of 4 stars). 2 submissions from 2 submitters: Uncertain significance (2). Last evaluated 2023-12-23.

Conditions:
Multiple endocrine neoplasia type 4. Also called: MULTIPLE ENDOCRINE NEOPLASIA, TYPE IV. Identifiers: Orphanet 276152, MedGen C1970712, MONDO:0012552, OMIM 610755.
Hereditary cancer-predisposing syndrome. Also called: Tumor predisposition; Hereditary neoplastic syndrome; Hereditary Cancer Syndrome; Neoplastic Syndromes, Hereditary. Identifiers: Orphanet 140162, MedGen C0027672, MeSH D009386, MONDO:0015356.

Submissions (2):

Labcorp Genetics (formerly Invitae), Labcorp
Classification: Uncertain significance for Multiple endocrine neoplasia type 4. Last evaluated: 2023-12-23. Review status: criteria provided, single submitter. Criteria: Invitae Variant Classification Sherloc (09022015). Collection method: clinical testing. Allele origin: germline.
Comment: This sequence change replaces serine, which is neutral and polar, with threonine, which is neutral and polar, at codon 160 of the CDKN1B protein (p.Ser160Thr). This variant is not present in population databases (gnomAD no frequency). This variant has not been reported in the literature in individuals affected with CDKN1B-related conditions. ClinVar contains an entry for this variant (Variation ID: 2309785). An algorithm developed to predict the effect of missense changes on protein structure and function (PolyPhen-2) suggests that this variant is likely to be tolerated. In summary, the available evidence is currently insufficient to determine the role of this variant in disease. Therefore, it has been classified as a Variant of Uncertain Significance.

Ambry Genetics
Classification: Uncertain significance for Hereditary cancer-predisposing syndrome. Last evaluated: 2022-08-30. Review status: criteria provided, single submitter. Criteria: Ambry Variant Classification Scheme 2023. Collection method: clinical testing. Allele origin: germline.